The following is an entry in ClinVar:

NM_004304.5(ALK):c.2926C>T (p.His976Tyr)

Gene: ALK (ALK receptor tyrosine kinase; minus strand). Cytogenetic location: 2p23.2.
Variant type: single nucleotide variant.
Coding change: c.2926C>T on transcript NM_004304.5 (MANE Select); coding-DNA position 2926, C replaced by T.
Protein change: p.His976Tyr; replaces histidine 976 with tyrosine.
Molecular consequence: missense variant.
Genome position (GRCh38, 1-based): chr2:29,227,063, G>A on the plus strand (C>T on the coding strand, the complement: ALK is on the minus strand). VCF-style: chr2-29227063-G-A. GRCh37 (hg19) VCF-style: chr2-29449929-G-A.
Other names: short protein forms H976Y.
Identifiers: ClinVar variation 844656 (VCV000844656.9), dbSNP rs1664022542, ClinGen allele CA346468104.

ClinVar aggregate classification (germline): Uncertain significance (1 of 4 stars; one submission).

Conditions:
Neuroblastoma, susceptibility to, 3. Also called: ALK-Related Neuroblastic Tumor Susceptibility. Identifiers: Orphanet 635, MedGen C2751681, MONDO:0013083, OMIM 613014.

Submission:

Labcorp Genetics (formerly Invitae), Labcorp
Classification: Uncertain significance for Neuroblastoma, susceptibility to, 3. Last evaluated: 2019-01-23. Review status: criteria provided, single submitter. Criteria: Invitae Variant Classification Sherloc (09022015). Collection method: clinical testing. Allele origin: germline.
Comment: In summary, the available evidence is currently insufficient to determine the role of this variant in disease. Therefore, it has been classified as a Variant of Uncertain Significance. Algorithms developed to predict the effect of missense changes on protein structure and function (SIFT, PolyPhen-2, Align-GVGD) all suggest that this variant is likely to be disruptive, but these predictions have not been confirmed by published functional studies and their clinical significance is uncertain. This variant has not been reported in the literature in individuals with ALK-related conditions. This variant is not present in population databases (ExAC no frequency). This sequence change replaces histidine with tyrosine at codon 976 of the ALK protein (p.His976Tyr). The histidine residue is highly conserved and there is a moderate physicochemical difference between histidine and tyrosine.